The following is an entry in ClinVar:

NM_001099922.3(ALG13):c.2385A>G (p.Glu795=)

Gene: ALG13 (ALG13 UDP-N-acetylglucosaminyltransferase subunit; plus strand). Cytogenetic location: Xq23.
Variant type: single nucleotide variant.
Coding change: c.2385A>G on transcript NM_001099922.3 (MANE Select); coding-DNA position 2385, A replaced by G.
Protein change: p.Glu795=; no amino-acid change (glutamic acid 795 retained).
Molecular consequence: synonymous variant. On other transcripts: non-coding transcript variant (1).
Genome position (GRCh38, 1-based): chrX:111,730,411, A>G. VCF-style: chrX-111730411-A-G. GRCh37 (hg19) VCF-style: chrX-110973639-A-G.
Other names: c.2073A>G, p.Glu691= (NM_001257230.2, NM_001257234.2, NM_001257237.2); c.2151A>G, p.Glu717= (NM_001257231.2); c.2385A>G, p.Glu795= (NM_001324292.2); c.1899A>G, p.Glu633= (NM_001324293.1).
Identifiers: ClinVar variation 386077 (VCV000386077.5), dbSNP rs759719376, ClinGen allele CA10493878.

ClinVar aggregate classification (germline): Benign/Likely benign. Review status: criteria provided, multiple submitters, no conflicts (2 of 4 stars). 3 submissions from 3 submitters: Benign (1); Likely benign (2). Last evaluated 2025-02-20.

Conditions:
Developmental and epileptic encephalopathy, 36 (DEE36). Also called: ALG13-CDG; Congenital disorder of glycosylation, type Is; Epileptic encephalopathy, early infantile, 36. Identifiers: Orphanet 324422, MedGen C4317295, MONDO:0010472, OMIM 300884.

Allele frequency attached by ClinVar (database versions not stated): gnomAD exomes 0.00003 and 0.00011; gnomAD 0.00005; TOPMed 0.00005; ExAC 0.00016.
gnomAD v4.1: 40 of 1,208,258 alleles (0.0033%); highest among the groups gnomAD compares: Admixed American, 0.0044%; no homozygotes.

Submissions (3):

Labcorp Genetics (formerly Invitae), Labcorp
Classification: Benign for Developmental and epileptic encephalopathy, 36. Last evaluated: 2025-02-20. Review status: criteria provided, single submitter. Criteria: Invitae Variant Classification Sherloc (09022015). Collection method: clinical testing. Allele origin: germline.

Blueprint Genetics
Classification: Likely benign. Last evaluated: 2022-12-29. Review status: criteria provided, single submitter. Criteria: ACMG Guidelines, 2015. Collection method: clinical testing. Allele origin: germline.

GeneDx
Classification: Likely benign. Last evaluated: 2016-05-19. Review status: criteria provided, single submitter. Criteria: GeneDx Variant Classification (06012015). Collection method: clinical testing. Allele origin: germline. Affected: yes.
Comment: This variant is considered likely benign or benign based on one or more of the following criteria: it is a conservative change, it occurs at a poorly conserved position in the protein, it is predicted to be benign by multiple in silico algorithms, and/or has population frequency not consistent with disease.